The following is an entry in ClinVar:

NM_001035.3(RYR2):c.4076T>C (p.Val1359Ala)

Genes: RYR2 (ryanodine receptor 2; plus strand), LOC126806067 (BRD4-independent group 4 enhancer GRCh37_chr1:237753258-237754457; plus strand). Cytogenetic location: 1q43.
Variant type: single nucleotide variant.
Coding change: c.4076T>C on transcript NM_001035.3 (MANE Select); coding-DNA position 4076, T replaced by C.
Protein change: p.Val1359Ala; replaces valine 1359 with alanine.
Molecular consequence: missense variant.
Genome position (GRCh38, 1-based): chr1:237,590,908, T>C. VCF-style: chr1-237590908-T-C. GRCh37 (hg19) VCF-style: chr1-237754208-T-C.
Other names: c.4076T>C, p.Val1359Ala (LRG_402t1); short protein forms V1359A.
Identifiers: ClinVar variation 629579 (VCV000629579.19), dbSNP rs1005458283, ClinGen allele CA39803213.

ClinVar aggregate classification (germline): Conflicting classifications of pathogenicity. Review status: criteria provided, conflicting classifications (1 of 4 stars). 7 submissions from 7 submitters: Uncertain significance (6); Likely benign (1). Last evaluated 2025-01-01.

Conditions:
Catecholaminergic polymorphic ventricular tachycardia (CVPT). Also called: Catecholamine-induced polymorphic ventricular tachycardia. Identifiers: Orphanet 3286, MedGen C5574922, MONDO:0017990.
Cardiovascular phenotype. Identifiers: MedGen CN230736.
Catecholaminergic polymorphic ventricular tachycardia 1. Also called: RYR2-Related Catecholaminergic Polymorphic Ventricular Tachycardia; VENTRICULAR TACHYCARDIA, CATECHOLAMINERGIC POLYMORPHIC, 1, WITH OR WITHOUT ATRIAL DYSFUNCTION AND/OR DILATED CARDIOMYOPATHY; VENTRICULAR TACHYCARDIA, STRESS-INDUCED POLYMORPHIC 1. Identifiers: Orphanet 3286, MedGen C1631597, MONDO:0011484, OMIM 604772.
Arrhythmogenic right ventricular dysplasia 2. Identifiers: MedGen C1832931.
Ventricular arrhythmias due to cardiac ryanodine receptor calcium release deficiency syndrome. Also called: Autosomal dominant cardiac arrhythmia (Kuhn). Identifiers: MedGen C5542154, MONDO:0020745, OMIM 115000.
Cardiomyopathy (CMYO). Also called: Cardiomyopathies. Identifiers: Orphanet 167848, MedGen C0878544, MONDO:0004994, HP:0001638. Inheritance: Various modes of inheritance.

Allele frequency attached by ClinVar (database versions not stated): gnomAD exomes 0.00002 and 0.00003; TOPMed 0.00002; gnomAD 0.00004.
gnomAD v4.1: 57 of 1,613,728 alleles (0.0035%); highest among the groups gnomAD compares: African/African-American, 0.019%; 1 homozygote.

Submissions (7):

Labcorp Genetics (formerly Invitae), Labcorp
Classification: Uncertain significance for Catecholaminergic polymorphic ventricular tachycardia 1. Last evaluated: 2025-01-01. Review status: criteria provided, single submitter. Criteria: Invitae Variant Classification Sherloc (09022015). Collection method: clinical testing. Allele origin: germline.
Comment: This sequence change replaces valine, which is neutral and non-polar, with alanine, which is neutral and non-polar, at codon 1359 of the RYR2 protein (p.Val1359Ala). This variant is present in population databases (no rsID available, gnomAD 0.004%). This variant has not been reported in the literature in individuals affected with RYR2-related conditions. ClinVar contains an entry for this variant (Variation ID: 629579). Invitae Evidence Modeling of protein sequence and biophysical properties (such as structural, functional, and spatial information, amino acid conservation, physicochemical variation, residue mobility, and thermodynamic stability) indicates that this missense variant is not expected to disrupt RYR2 protein function with a negative predictive value of 95%. In summary, the available evidence is currently insufficient to determine the role of this variant in disease. Therefore, it has been classified as a Variant of Uncertain Significance.

Blueprint Genetics
Classification: Likely benign. Last evaluated: 2024-11-17. Review status: criteria provided, single submitter. Criteria: ACMG Guidelines, 2015. Collection method: clinical testing. Allele origin: germline.

All of Us Research Program, National Institutes of Health
Classification: Uncertain significance for Catecholaminergic polymorphic ventricular tachycardia. Last evaluated: 2024-09-23. Review status: criteria provided, single submitter. Criteria: ACMG Guidelines, 2015. Collection method: clinical testing. Allele origin: germline. Inheritance: Autosomal dominant inheritance. Observed: 4 variant alleles, 4 heterozygotes.
Comment: Variant of Uncertain Significance due to insufficient evidence: This missense variant is located in the cytoplasmic SPRY domain 3 of the RYR2 protein. Computational prediction tools and conservation analyses suggest that this variant may not impact the protein function. Computational splicing tools suggest that this variant may not impact RNA splicing. To our knowledge, functional assays have not been performed for this variant nor has this variant been reported in individuals affected with cardiovascular disorders in the literature. This variant has been identified in 4/245460 chromosomes in the general population by the Genome Aggregation Database (gnomAD). Available evidence is insufficient to determine the pathogenicity of this variant conclusively.

This study involves interpretation of variants in research participants for the purpose of population health screening. Participant phenotype was not available at the time of variant classification. Additional details can be found in publication PMID: 35346344, PMCID: PMC8962531

Color Diagnostics, LLC DBA Color Health
Classification: Uncertain significance for Cardiomyopathy. Last evaluated: 2023-08-31. Review status: criteria provided, single submitter. Criteria: ACMG Guidelines, 2015. Collection method: clinical testing. Allele origin: germline.
Comment: This missense variant replaces valine with alanine at codon 1359 of the RYR2 protein. Computational prediction suggests that this variant may not impact protein structure and function (internally defined REVEL score threshold <= 0.5, PMID: 27666373). To our knowledge, functional studies have not been reported for this variant. This variant has not been reported in individuals affected with RYR2-related disorders in the literature. This variant has been identified in 4/248546 chromosomes in the general population by the Genome Aggregation Database (gnomAD). The available evidence is insufficient to determine the role of this variant in disease conclusively. Therefore, this variant is classified as a Variant of Uncertain Significance.

Ambry Genetics
Classification: Uncertain significance for Cardiovascular phenotype. Last evaluated: 2023-06-12. Review status: criteria provided, single submitter. Criteria: Ambry Variant Classification Scheme 2023. Collection method: clinical testing. Allele origin: germline.
Comment: The p.V1359A variant (also known as c.4076T>C), located in coding exon 31 of the RYR2 gene, results from a T to C substitution at nucleotide position 4076. The valine at codon 1359 is replaced by alanine, an amino acid with similar properties. This variant was detected in an arrhythmia genetic testing cohort; however, clinical details were limited, and additional cardiac variants were detected in some cases (van Lint FHM et al. Neth Heart J, 2019 Jun;27:304-309). This amino acid position is not well conserved in available vertebrate species. In addition, this alteration is predicted to be tolerated by in silico analysis. Since supporting evidence is limited at this time, the clinical significance of this alteration remains unclear.

Fulgent Genetics
Classification: Uncertain significance for Ventricular arrhythmias due to cardiac ryanodine receptor calcium release deficiency syndrome; Catecholaminergic polymorphic ventricular tachycardia 1. Last evaluated: 2021-11-14. Review status: criteria provided, single submitter. Criteria: ACMG Guidelines, 2015. Collection method: clinical testing. Allele origin: unknown.

GeneDx
Classification: Uncertain significance. Last evaluated: 2019-07-16. Review status: criteria provided, single submitter. Criteria: GeneDx Variant Classification Process June 2021. Collection method: clinical testing. Allele origin: germline. Affected: yes.
Comment: Has not been previously published as pathogenic or benign to our knowledge; Reported in ClinVar as a variant of uncertain significance but additional evidence is not available (ClinVar Variant ID# 629579; Landrum et al., 2016); Not observed at a significant frequency in large population cohorts (Lek et al., 2016); Is not located in one of the three hot-spot regions of the RYR2 gene, where the majority of pathogenic missense variants occur (Medeiros-Domingo et al., 2009); In silico analysis, which includes protein predictors and evolutionary conservation, supports that this variant does not alter protein structure/function

Literature cited by the submitters: PubMed 30847666 (cited by Ambry Genetics).